The following is an entry in ClinVar:

ClinVar aggregate classification (germline): Uncertain significance. Review status: criteria provided, multiple submitters, no conflicts (2 of 4 stars). 2 submissions from 2 submitters: Uncertain significance (2). Last evaluated 2025-02-08.

Conditions:
Autosomal recessive limb-girdle muscular dystrophy type 2Q (LGMDR17). Also called: MUSCULAR DYSTROPHY, LIMB-GIRDLE, AUTOSOMAL RECESSIVE 17. Identifiers: Orphanet 254361, MedGen C3150989, MONDO:0013390, OMIM 613723.
Epidermolysis bullosa simplex 5B, with muscular dystrophy (EBS5B). Also called: EPIDERMOLYSIS BULLOSA SIMPLEX AND LIMB-GIRDLE MUSCULAR DYSTROPHY; Epidermolysis bullosa simplex with muscular dystrophy. Identifiers: Orphanet 257, MedGen C2931072, MONDO:0009181, OMIM 226670.
Epidermolysis bullosa simplex, Ogna type (EBS5A). Also called: Pidermolysis bullosa simplex 5A, Ogna type; EPIDERMOLYSIS BULLOSA SIMPLEX 5A, OGNA TYPE. Identifiers: Orphanet 79401, MedGen C0432317, MONDO:0007555, OMIM 131950.
Epidermolysis bullosa simplex 5C, with pyloric atresia (EBS5C). Also called: PLEC-Related Epidermolysis Bullosa with Pyloric Atresia; Epidermolysis bullosa simplex with pyloric atresia; PLEC1-Related Epidermolysis Bullosa with Pyloric Atresia. Identifiers: Orphanet 158684, MedGen C2677349, MONDO:0012807, OMIM 612138.
Epidermolysis bullosa simplex with nail dystrophy (EBS5D). Identifiers: MedGen C4225309, MONDO:0014661, OMIM 616487.

Allele frequency attached by ClinVar (database versions not stated): gnomAD exomes below 0.00001 and 0.00001; TOPMed 0.00001; ExAC 0.00004.
gnomAD v4.1: 4 of 1,598,920 alleles (0.00025%); highest among the groups gnomAD compares: Admixed American, 0.005%; no homozygotes.

Submissions (3):

Labcorp Genetics (formerly Invitae), Labcorp
Classification: Uncertain significance for Autosomal recessive limb-girdle muscular dystrophy type 2Q; Epidermolysis bullosa simplex, Ogna type; Epidermolysis bullosa simplex with nail dystrophy; Epidermolysis bullosa simplex 5C, with pyloric atresia; Epidermolysis bullosa simplex 5B, with muscular dystrophy. Last evaluated: 2025-02-08. Review status: criteria provided, single submitter. Criteria: Invitae Variant Classification Sherloc (09022015). Collection method: clinical testing. Allele origin: germline.
Comment: This sequence change replaces glutamic acid, which is acidic and polar, with glycine, which is neutral and non-polar, at codon 1941 of the PLEC protein (p.Glu1941Gly). This variant is present in population databases (rs782280540, gnomAD 0.009%). This variant has not been reported in the literature in individuals affected with PLEC-related conditions. ClinVar contains an entry for this variant (Variation ID: 586335). Experimental studies and prediction algorithms are not available or were not evaluated, and the functional significance of this variant is currently unknown. In summary, the available evidence is currently insufficient to determine the role of this variant in disease. Therefore, it has been classified as a Variant of Uncertain Significance.

Athena Diagnostics
Classification: Uncertain significance. Last evaluated: 2017-09-20. Review status: criteria provided, single submitter. Criteria: Athena Diagnostics Criteria. Collection method: clinical testing. Allele origin: germline.

Dr. Peter K. Rogan Lab, Western University
No classification provided (evidence only). Condition: Thyroid cancer, nonmedullary, 1. Review status: no classification provided. Collection method: in vitro. Allele origin: not applicable. Functional consequence: retained intron. Not counted in ClinVar's aggregate classification.

NM_201384.3(PLEC):c.5741A>G (p.Glu1914Gly)

Gene: PLEC (plectin; minus strand). Cytogenetic location: 8q24.3.
Variant type: single nucleotide variant.
Coding change: c.5741A>G on transcript NM_201384.3 (MANE Select); coding-DNA position 5741, A replaced by G.
Protein change: p.Glu1914Gly; replaces glutamic acid 1914 with glycine.
Molecular consequence: missense variant.
Genome position (GRCh38, 1-based): chr8:143,924,188, T>C on the plus strand (A>G on the coding strand, the complement: PLEC is on the minus strand). VCF-style: chr8-143924188-T-C. GRCh37 (hg19) VCF-style: chr8-144998356-T-C.
Other names: c.5822A>G, p.Glu1941Gly (NM_000445.5); c.5699A>G, p.Glu1900Gly (NM_201378.4); c.5675A>G, p.Glu1892Gly (NM_201379.3); c.6152A>G, p.Glu2051Gly (NM_201380.4); c.5645A>G, p.Glu1882Gly (NM_201381.3); c.5741A>G, p.Glu1914Gly (NM_201382.4); c.5753A>G, p.Glu1918Gly (NM_201383.3); short protein forms E1882G, E1892G, E1900G, E1914G, E1918G, E1941G, E2051G.
Identifiers: ClinVar variation 586335 (VCV000586335.11), dbSNP rs782280540, ClinGen allele CA4926257.